The following is an entry in ClinVar:

NM_016222.4(DDX41):c.-2G>A

Gene: DDX41 (DEAD-box helicase 41; minus strand). Cytogenetic location: 5q35.3.
Variant type: single nucleotide variant.
Coding change: c.-2G>A on transcript NM_016222.4 (MANE Select); 2 bases upstream of the start codon, G replaced by A.
Molecular consequence: 5 prime UTR variant.
Genome position (GRCh38, 1-based): chr5:177,516,947, C>T on the plus strand (G>A on the coding strand, the complement: DDX41 is on the minus strand). VCF-style: chr5-177516947-C-T. GRCh37 (hg19) VCF-style: chr5-176943948-C-T.
Other names: c.-657G>A (NM_001321732.2); c.-449G>A (NM_001321830.2).
Identifiers: ClinVar variation 4844584 (VCV004844584.1).
Genomic context (GRCh38, chr5:177,516,947, plus strand): 5'-CCCACACGCGCGGGGTCTCGCCTCTCTCCTACCTTCCGTTCGGGTTCCGACTCCTCCATT[C>T]TTTGCTGCACGCATGCGCGCCACGGCGAAACCCCGCCTCATCCTTGCGTGAGACCCAATC-3'

ClinVar aggregate classification (germline): Uncertain significance (1 of 4 stars; one submission).

Conditions:
Inborn genetic diseases. Identifiers: MedGen C0950123, MeSH D030342.

gnomAD v4.1: 2 of 1,610,968 alleles (0.00012%); highest among the groups gnomAD compares: African/African-American, 0.0027%; no homozygotes.

Submission:

Ambry Genetics
Classification: Uncertain significance for Inborn genetic diseases. Last evaluated: 2026-01-15. Review status: criteria provided, single submitter. Criteria: Ambry Variant Classification Scheme 2023. Collection method: clinical testing. Allele origin: germline.
Comment: The c.-2G>A variant is located in the 5' untranslated region (5&rsquo; UTR) of the DDX41 gene. This variant results from a G to A substitution 2 bases upstream from the first translated codon. This nucleotide position is well conserved in available vertebrate species. Based on the available evidence, the clinical significance of this variant remains unclear.